The following is an entry in ClinVar:

NM_002225.5(IVD):c.961-2A>C

Gene: IVD (isovaleryl-CoA dehydrogenase; plus strand). Cytogenetic location: 15q15.1.
Variant type: single nucleotide variant.
Coding change: c.961-2A>C on transcript NM_002225.5 (MANE Select); the canonical splice acceptor site of the intron before coding-DNA position 961, A replaced by C.
Molecular consequence: splice acceptor variant.
Genome position (GRCh38, 1-based): chr15:40,416,076, A>C. VCF-style: chr15-40416076-A-C. GRCh37 (hg19) VCF-style: chr15-40708275-A-C.
Other names: c.1048-2A>C (NM_001354600.3, NM_001354599.3); c.961-2A>C (NM_001354598.3, NM_001354601.3); c.913-2A>C (NM_001354597.3); c.871-2A>C (NM_001159508.3).
Identifiers: ClinVar variation 4815008 (VCV004815008.1).

ClinVar aggregate classification (germline): Likely pathogenic (1 of 4 stars; one submission).

Conditions:
Isovaleryl-CoA dehydrogenase deficiency (IVA). Also called: ISOVALERIC ACID CoA DEHYDROGENASE DEFICIENCY; Isovaleric acidemia; Classic Isovaleric Acidemia; IVD DEFICIENCY. Identifiers: Orphanet 33, MedGen C0268575, MONDO:0009475, OMIM 243500.

Submission:

Natera, Inc.
Classification: Likely pathogenic for Isovaleryl-coa dehydrogenase deficiency. Last evaluated: 2025-11-14. Review status: criteria provided, single submitter. Criteria: Natera Variant Classification Schema (03/2026). Collection method: clinical testing. Allele origin: germline.
Comment: The c.970-2A>C variant in IVD is a canonical splice acceptor site variant predicted to affect pre-mRNA splicing, which may result in an abnormal transcript and altered protein product. This variant is expected to result in nonsense mediated decay, truncation, or a dysfunctional protein product. This variant is rare in the general population with a frequency below the threshold expected for the associated phenotype(s). Given the available evidence, this variant is classified as Likely Pathogenic.